The following is an entry in ClinVar:

NM_007194.4(CHEK2):c.1332del (p.Lys444fs)

Gene: CHEK2 (checkpoint kinase 2; minus strand). Cytogenetic location: 22q12.1.
Variant type: Deletion.
Coding change: c.1332del on transcript NM_007194.4 (MANE Select); coding-DNA position 1332, one base deleted (A; older notation c.1332delA).
Protein change: p.Lys444fs; shifts the reading frame from lysine 444.
Molecular consequence: frameshift variant.
Genome position (GRCh38, 1-based): chr22:28,695,170, T deleted on the plus strand (A on the coding strand, the reverse complement: CHEK2 is on the minus strand); the first of 4 consecutive T bases (chr22:28,695,170-28,695,173); deleting any one gives the same sequence. VCF-style (leftmost placement, unchanged base first): chr22-28695169-AT-A. GRCh37 (hg19) VCF-style: chr22-29091157-AT-A.
Other names: c.1458delA, p.Lys487Asnfs (NM_001005735.3); c.666delA, p.Lys223Asnfs (NM_001257387.3); c.1128delA, p.Lys377Asnfs (NM_001349956.3); c.1242delA, p.Lys415Asnfs (NM_145862.3); short protein forms K223fs, K377fs, K415fs, K444fs, K487fs.
Identifiers: ClinVar variation 1073254 (VCV001073254.9), dbSNP rs2145794013, ClinGen allele CA2499226056.

ClinVar aggregate classification (germline): Pathogenic. Review status: criteria provided, multiple submitters, no conflicts (2 of 4 stars). 2 submissions from 2 submitters: Pathogenic (2). Last evaluated 2024-02-13.

Conditions:
Familial cancer of breast. Also called: Hereditary breast cancer; hereditary breast carcinoma; BREAST CANCER, FAMILIAL. Identifiers: Orphanet 227535, MedGen C0346153, MONDO:0016419, OMIM 114480. Disease mechanism: loss of function.

Submissions (2):

Labcorp Genetics (formerly Invitae), Labcorp
Classification: Pathogenic for Familial cancer of breast. Last evaluated: 2024-02-13. Review status: criteria provided, single submitter. Criteria: Invitae Variant Classification Sherloc (09022015). Collection method: clinical testing. Allele origin: germline.
Comment: This sequence change creates a premature translational stop signal (p.Lys444Asnfs*25) in the CHEK2 gene. It is expected to result in an absent or disrupted protein product. Loss-of-function variants in CHEK2 are known to be pathogenic (PMID: 21876083, 24713400). This variant is not present in population databases (gnomAD no frequency). This variant has not been reported in the literature in individuals affected with CHEK2-related conditions. ClinVar contains an entry for this variant (Variation ID: 1073254). For these reasons, this variant has been classified as Pathogenic.

Myriad Genetics, Inc.
Classification: Pathogenic for Familial cancer of breast. Last evaluated: 2023-02-09. Review status: criteria provided, single submitter. Criteria: Myriad Autosomal Dominant, Autosomal Recessive and X-Linked Classification Criteria (2023). Collection method: clinical testing. Allele origin: unknown.
Comment: This variant is considered pathogenic. This variant creates a frameshift predicted to result in premature protein truncation.

Literature cited by the submitters: PubMed 21876083 (cited by Labcorp Genetics (formerly Invitae), Labcorp); PubMed 24713400 (cited by Labcorp Genetics (formerly Invitae), Labcorp).